The following is an entry in ClinVar:

NM_001377540.1(SLMAP):c.1340A>G (p.Glu447Gly)

Gene: SLMAP (sarcolemma associated protein; plus strand). Cytogenetic location: 3p14.3.
Variant type: single nucleotide variant.
Coding change: c.1340A>G on transcript NM_001377540.1 (MANE Select); coding-DNA position 1340, A replaced by G.
Protein change: p.Glu447Gly; replaces glutamic acid 447 with glycine.
Molecular consequence: missense variant. On other transcripts: 5 prime UTR variant (7), non-coding transcript variant (1).
Genome position (GRCh38, 1-based): chr3:57,890,080, A>G. VCF-style: chr3-57890080-A-G. GRCh37 (hg19) VCF-style: chr3-57875807-A-G.
Other names: c.1289A>G, p.Glu430Gly (NM_001377542.1, NM_001377562.1, NM_001377921.1 and 2 more transcripts); c.1277A>G, p.Glu426Gly (NM_001377545.1, NM_001377922.1); c.1238A>G, p.Glu413Gly (NM_001377549.1, NM_001377923.1, NM_007159.5); c.1226A>G, p.Glu409Gly (NM_001377551.1, NM_001377552.1, NM_001377924.1); c.1340A>G, p.Glu447Gly (NM_001377555.1, NM_001377538.1, NM_001377539.1); c.1175A>G, p.Glu392Gly (NM_001377557.1, NM_001377559.1, NM_001377925.1 and 1 more transcripts); c.-110A>G (NM_001377926.1, NM_001377927.1, NM_001377928.1 and 4 more transcripts); short protein forms E392G, E409G, E426G, E430G, E447G, E413G.
Identifiers: ClinVar variation 5029689 (VCV005029689.1).

ClinVar aggregate classification (germline): Uncertain significance (1 of 4 stars; one submission).

gnomAD v4.1: 1 of 1,614,004 alleles (0.000062%); highest among the groups gnomAD compares: Non-Finnish European, 0.000085%; no homozygotes.

Submission:

Ambry Genetics
Classification: Uncertain significance. Last evaluated: 2026-09-04. Review status: criteria provided, single submitter. Criteria: Ambry Variant Classification Scheme 2023. Collection method: clinical testing. Allele origin: germline.
Comment: The p.E413G variant (also known as c.1238A>G), located in coding exon 12 of the SLMAP gene, results from an A to G substitution at nucleotide position 1238. The glutamic acid at codon 413 is replaced by glycine, an amino acid with similar properties. This amino acid position is conserved. In addition, this alteration is predicted to be tolerated by in silico analysis. Based on the available evidence, the clinical significance of this variant remains unclear.